The following is an entry in ClinVar:

NM_000069.3(CACNA1S):c.5507G>A (p.Arg1836Gln)

Gene: CACNA1S (calcium voltage-gated channel subunit alpha1 S; minus strand). Cytogenetic location: 1q32.1.
Variant type: single nucleotide variant.
Coding change: c.5507G>A on transcript NM_000069.3 (MANE Select); coding-DNA position 5507, G replaced by A.
Protein change: p.Arg1836Gln; replaces arginine 1836 with glutamine.
Molecular consequence: missense variant.
Genome position (GRCh38, 1-based): chr1:201,039,946, C>T on the plus strand (G>A on the coding strand, the complement: CACNA1S is on the minus strand). VCF-style: chr1-201039946-C-T. GRCh37 (hg19) VCF-style: chr1-201009074-C-T.
Other names: short protein forms R1836Q.
Identifiers: ClinVar variation 806310 (VCV000806310.43), dbSNP rs368214163, ClinGen allele CA083883.

ClinVar aggregate classification (germline): Conflicting classifications of pathogenicity. Review status: criteria provided, conflicting classifications (1 of 4 stars). 5 submissions from 5 submitters: Uncertain significance (4); Likely benign (1). Last evaluated 2025-11-20.

Conditions:
Hypokalemic periodic paralysis, type 1. Also called: Hypokalemic Periodic Paralysis Type 1 (AD); HypoPP. Identifiers: Orphanet 681, MedGen C3714580, MONDO:0042979, OMIM 170400.
Malignant hyperthermia, susceptibility to, 5 (MHS5). Also called: CACNA1S-Related Malignant Hyperthermia Susceptibility. Identifiers: Orphanet 423, MedGen C1866077, MONDO:0011163, OMIM 601887.

Allele frequency attached by ClinVar (database versions not stated): gnomAD exomes below 0.00001; TOPMed 0.00002.
gnomAD v4.1: 9 of 1,614,072 alleles (0.00056%); highest among the groups gnomAD compares: East Asian, 0.0022%; no homozygotes.

Submissions (5):

Color Diagnostics, LLC DBA Color Health
Classification: Uncertain significance for Malignant hyperthermia, susceptibility to, 5. Last evaluated: 2025-11-20. Review status: criteria provided, single submitter. Criteria: ACMG Guidelines, 2015. Collection method: clinical testing. Allele origin: germline.
Comment: This missense variant replaces arginine with glutamine at codon 1836 of the CACNA1S protein. Computational prediction suggests that this variant may not impact protein structure and function. To our knowledge, functional studies have not been reported for this variant. This variant has not been reported in individuals affected with CACNA1S-related disorders in the literature. This variant has been identified in 9/1614072 chromosomes in the general population by the Genome Aggregation Database (gnomAD). The available evidence is insufficient to determine the role of this variant in disease conclusively. Therefore, this variant is classified as a Variant of Uncertain Significance.

Revvity Omics, Revvity
Classification: Uncertain significance. Last evaluated: 2024-09-16. Review status: criteria provided, single submitter. Criteria: ACMG Guidelines, 2015. Collection method: clinical testing. Allele origin: germline.

CeGaT Center for Human Genetics Tuebingen
Classification: Uncertain significance. Last evaluated: 2024-02-01. Review status: criteria provided, single submitter. Criteria: CeGaT Center For Human Genetics Tuebingen Variant Classification Criteria Version 2. Collection method: clinical testing. Allele origin: germline. Affected: yes. Observed: 1 variant allele.
Comment: CACNA1S: PM2:Supporting, BP4

Labcorp Genetics (formerly Invitae), Labcorp
Classification: Likely benign for Hypokalemic periodic paralysis, type 1; Malignant hyperthermia, susceptibility to, 5. Last evaluated: 2024-01-29. Review status: criteria provided, single submitter. Criteria: Invitae Variant Classification Sherloc (09022015). Collection method: clinical testing. Allele origin: germline.

All of Us Research Program, National Institutes of Health
Classification: Uncertain significance for Malignant hyperthermia, susceptibility to, 5. Last evaluated: 2023-06-28. Review status: criteria provided, single submitter. Criteria: ACMG Guidelines, 2015. Collection method: clinical testing. Allele origin: germline. Inheritance: Autosomal dominant inheritance. Observed: 1 variant allele, 1 heterozygote.
Comment: This study involves interpretation of variants in research participants for the purpose of population health screening. Participant phenotype was not available at the time of variant classification. Additional details can be found in publication PMID: 35346344, PMCID: PMC8962531